The following is an entry in ClinVar:

ClinVar aggregate classification (germline): Uncertain significance (1 of 4 stars; one submission).

Allele frequency attached by ClinVar (database versions not stated): gnomAD exomes below 0.00001.
gnomAD v4.1: 1 of 1,209,638 alleles (0.000083%); highest among the groups gnomAD compares: South Asian, 0.0018%; no homozygotes.

Submission:

Labcorp Genetics (formerly Invitae), Labcorp
Classification: Uncertain significance. Last evaluated: 2022-05-07. Review status: criteria provided, single submitter. Criteria: Invitae Variant Classification Sherloc (09022015). Collection method: clinical testing. Allele origin: germline.
Comment: In summary, the available evidence is currently insufficient to determine the role of this variant in disease. Therefore, it has been classified as a Variant of Uncertain Significance. Algorithms developed to predict the effect of sequence changes on RNA splicing suggest that this variant may disrupt the consensus splice site. This variant has not been reported in the literature in individuals affected with ABCB7-related conditions. This variant is not present in population databases (gnomAD no frequency). This sequence change affects codon 657 of the ABCB7 mRNA. It is a 'silent' change, meaning that it does not change the encoded amino acid sequence of the ABCB7 protein.

NM_001271696.3(ABCB7):c.1968A>G (p.Lys656=)

Gene: ABCB7 (ATP binding cassette subfamily B member 7; minus strand). Cytogenetic location: Xq13.3.
Variant type: single nucleotide variant.
Coding change: c.1968A>G on transcript NM_001271696.3 (MANE Select); coding-DNA position 1968, A replaced by G.
Protein change: p.Lys656=; no amino-acid change (lysine 656 retained).
Molecular consequence: synonymous variant.
Genome position (GRCh38, 1-based): chrX:75,060,298, T>C on the plus strand (A>G on the coding strand, the complement: ABCB7 is on the minus strand). VCF-style: chrX-75060298-T-C. GRCh37 (hg19) VCF-style: chrX-74280133-T-C.
Other names: c.1848A>G, p.Lys616= (NM_001271697.3); c.1890A>G, p.Lys630= (NM_001271698.3); c.1851A>G, p.Lys617= (NM_001271699.3); c.1971A>G, p.Lys657= (NM_004299.6).
Identifiers: ClinVar variation 2104021 (VCV002104021.4), dbSNP rs2519810114, ClinGen allele CA517279272.